The following is an entry in ClinVar:

NM_002206.3(ITGA7):c.670+1G>A

Gene: ITGA7 (integrin subunit alpha 7; minus strand). Cytogenetic location: 12q13.2.
Variant type: single nucleotide variant.
Coding change: c.670+1G>A on transcript NM_002206.3 (MANE Select); the canonical splice donor site of the intron after coding-DNA position 670, G replaced by A.
Molecular consequence: splice donor variant.
Genome position (GRCh38, 1-based): chr12:55,700,898, C>T on the plus strand (G>A on the coding strand, the complement: ITGA7 is on the minus strand). VCF-style: chr12-55700898-C-T. GRCh37 (hg19) VCF-style: chr12-56094682-C-T.
Other names: c.379+1G>A (NM_001144997.2); c.331+1G>A (NM_001367993.1, NM_001414035.1); c.487+1G>A (NM_001414033.1); c.-503+1G>A (NM_001367994.1); c.670+1G>A (NM_001414032.1, NM_001414031.1, NM_001374465.1 and 5 more transcripts).
Identifiers: ClinVar variation 1492330 (VCV001492330.6), dbSNP rs1873861004, ClinGen allele CA385191909.

ClinVar aggregate classification (germline): Likely pathogenic (1 of 4 stars; one submission).

Conditions:
Congenital muscular dystrophy due to integrin alpha-7 deficiency. Also called: MYOPATHY, CONGENITAL, DUE TO INTEGRIN ALPHA-7 DEFICIENCY; Congenital muscular dystrophy with integrin alpha-7 deficiency; Muscular dystrophy, congenital, due to ITGA7 deficiency. Identifiers: Orphanet 34520, MedGen C2750786, MONDO:0013177, OMIM 613204.

Allele frequency attached by ClinVar (database versions not stated): gnomAD exomes below 0.00001; TOPMed below 0.00001.

Submission:

Labcorp Genetics (formerly Invitae), Labcorp
Classification: Likely pathogenic for Congenital muscular dystrophy due to integrin alpha-7 deficiency. Last evaluated: 2021-07-14. Review status: criteria provided, single submitter. Criteria: Invitae Variant Classification Sherloc (09022015). Collection method: clinical testing. Allele origin: germline.
Comment: This sequence change affects a donor splice site in intron 4 of the ITGA7 gene. It is expected to disrupt RNA splicing. Variants that disrupt the donor or acceptor splice site typically lead to a loss of protein function (PMID: 16199547), and loss-of-function variants in ITGA7 are known to be pathogenic (PMID: 9590299). This variant is not present in population databases (ExAC no frequency). This variant has not been reported in the literature in individuals affected with ITGA7-related conditions. Algorithms developed to predict the effect of sequence changes on RNA splicing suggest that this variant may disrupt the consensus splice site. In summary, the currently available evidence indicates that the variant is pathogenic, but additional data are needed to prove that conclusively. Therefore, this variant has been classified as Likely Pathogenic.

Literature cited by the submitters: PubMed 16199547; PubMed 9590299.